The following is an entry in ClinVar:

ClinVar aggregate classification (germline): Uncertain significance (1 of 4 stars; one submission).

Submission:

Labcorp Genetics (formerly Invitae), Labcorp
Classification: Uncertain significance. Last evaluated: 2023-05-02. Review status: criteria provided, single submitter. Criteria: Invitae Variant Classification Sherloc (09022015). Collection method: clinical testing. Allele origin: germline.
Comment: In summary, the available evidence is currently insufficient to determine the role of this variant in disease. Therefore, it has been classified as a Variant of Uncertain Significance. Variants that disrupt the consensus splice site are a relatively common cause of aberrant splicing (PMID: 17576681, 9536098). Algorithms developed to predict the effect of sequence changes on RNA splicing suggest that this variant may disrupt the consensus splice site. This variant has not been reported in the literature in individuals affected with SI-related conditions. This variant is not present in population databases (gnomAD no frequency). This sequence change falls in intron 41 of the SI gene. It does not directly change the encoded amino acid sequence of the SI protein. It affects a nucleotide within the consensus splice site.

Literature cited by the submitters: PubMed 17576681; PubMed 9536098.

NM_001041.4(SI):c.4841+5G>C

Gene: SI (sucrase-isomaltase; minus strand). Cytogenetic location: 3q26.1.
Variant type: single nucleotide variant.
Coding change: c.4841+5G>C on transcript NM_001041.4 (MANE Select); 5 bases into the intron after coding-DNA position 4841, G replaced by C.
Molecular consequence: intron variant.
Genome position (GRCh38, 1-based): chr3:164,994,252, C>G on the plus strand (G>C on the coding strand, the complement: SI is on the minus strand). VCF-style: chr3-164994252-C-G. GRCh37 (hg19) VCF-style: chr3-164712040-C-G.
Identifiers: ClinVar variation 2861819 (VCV002861819.3), dbSNP rs542991783, ClinGen allele CA1417302778.